The following is an entry in ClinVar:

ClinVar aggregate classification (germline): Uncertain significance. Review status: criteria provided, multiple submitters, no conflicts (2 of 4 stars). 2 submissions from 2 submitters: Uncertain significance (2). Last evaluated 2025-08-01.

Allele frequency attached by ClinVar (database versions not stated): gnomAD 0.00001; TOPMed 0.00001; gnomAD exomes 0.00001.
gnomAD v4.1: 9 of 1,604,822 alleles (0.00056%); highest among the groups gnomAD compares: Admixed American, 0.0017%; no homozygotes.

Submissions (2):

Labcorp Genetics (formerly Invitae), Labcorp
Classification: Uncertain significance. Last evaluated: 2025-08-01. Review status: criteria provided, single submitter. Criteria: Invitae Variant Classification Sherloc (09022015). Collection method: clinical testing. Allele origin: germline.
Comment: This sequence change replaces arginine, which is basic and polar, with histidine, which is basic and polar, at codon 187 of the GATA5 protein (p.Arg187His). This variant is present in population databases (no rsID available, gnomAD 0.0009%). This variant has not been reported in the literature in individuals affected with GATA5-related conditions. ClinVar contains an entry for this variant (Variation ID: 2554635). Invitae Evidence Modeling of protein sequence and biophysical properties (such as structural, functional, and spatial information, amino acid conservation, physicochemical variation, residue mobility, and thermodynamic stability) indicates that this missense variant is expected to disrupt GATA5 protein function with a positive predictive value of 80%. In summary, the available evidence is currently insufficient to determine the role of this variant in disease. Therefore, it has been classified as a Variant of Uncertain Significance.

Ambry Genetics
Classification: Uncertain significance. Last evaluated: 2023-05-31. Review status: criteria provided, single submitter. Criteria: Ambry Variant Classification Scheme 2023. Collection method: clinical testing. Allele origin: germline.

NM_080473.5(GATA5):c.560G>A (p.Arg187His)

Gene: GATA5 (GATA binding protein 5; minus strand). Cytogenetic location: 20q13.33.
Variant type: single nucleotide variant.
Coding change: c.560G>A on transcript NM_080473.5 (MANE Select); coding-DNA position 560, G replaced by A.
Protein change: p.Arg187His; replaces arginine 187 with histidine.
Molecular consequence: missense variant.
Genome position (GRCh38, 1-based): chr20:62,473,542, C>T on the plus strand (G>A on the coding strand, the complement: GATA5 is on the minus strand). VCF-style: chr20-62473542-C-T. GRCh37 (hg19) VCF-style: chr20-61048598-C-T.
Other names: short protein forms R187H.
Identifiers: ClinVar variation 2554635 (VCV002554635.3), dbSNP rs1294824844, ClinGen allele CA409555388.